The following is an entry in ClinVar:

ClinVar aggregate classification (germline): Uncertain significance (1 of 4 stars; one submission).

Conditions:
Intellectual developmental disorder, X-linked, syndromic, Turner type. Also called: Intellectual disability, X-linked syndromic, Turner type; X-linked intellectual disability, Turner type. Identifiers: Orphanet 3056, Orphanet 85328, MedGen C2678046, MONDO:0010407, OMIM 309590.

Allele frequency attached by ClinVar (database versions not stated): gnomAD exomes 0.00001.
gnomAD v4.1: 6 of 810,071 alleles (0.00074%); highest among the groups gnomAD compares: Non-Finnish European, 0.0011%; no homozygotes.

Submission:

Breda Genetics srl
Classification: Uncertain significance for Intellectual developmental disorder, X-linked, syndromic, Turner type. Last evaluated: 2021-04-12. Review status: criteria provided, single submitter. Criteria: ACMG Guidelines, 2015. Collection method: clinical testing. Allele origin: germline. Inheritance: X-linked inheritance. Affected: yes. Observed: 1 variant allele, 1 hemizygote.
Comment: Based on allele frequency, in-silico prediction scores, and a certain overlap with the clinical phenotype, we interpreted this variant at least as of uncertain significance. The lack of one or more of the following features has discouraged further investigations: lack of a possible second hit in autosomal recessive conditions, presence of healthy controls in databases for autosomal dominant conditions, presence of unmatching cardinal clinical features in the patient or in the known gene-disease association, and/or variant type outside the known gene mutational spectrum.

NM_031407.7(HUWE1):c.4461+96T>G

Gene: HUWE1 (HECT, UBA and WWE domain containing E3 ubiquitin protein ligase 1; minus strand). Cytogenetic location: Xp11.22.
Variant type: single nucleotide variant.
Coding change: c.4461+96T>G on transcript NM_031407.7 (MANE Select); 96 bases into the intron after coding-DNA position 4461, T replaced by G.
Molecular consequence: intron variant.
Genome position (GRCh38, 1-based): chrX:53,589,451, A>C on the plus strand (T>G on the coding strand, the complement: HUWE1 is on the minus strand). VCF-style: chrX-53589451-A-C. GRCh37 (hg19) VCF-style: chrX-53616411-A-C.
Identifiers: ClinVar variation 1298287 (VCV001298287.1), dbSNP rs1020095850, ClinGen allele CA2429888936.